The following is an entry in ClinVar:

NM_000218.3(KCNQ1):c.1197C>T (p.Ala399=)

Gene: KCNQ1 (potassium voltage-gated channel subfamily Q member 1; plus strand). Cytogenetic location: 11p15.5.
Variant type: single nucleotide variant.
Coding change: c.1197C>T on transcript NM_000218.3 (MANE Select); coding-DNA position 1197, C replaced by T.
Protein change: p.Ala399=; no amino-acid change (alanine 399 retained).
Molecular consequence: synonymous variant.
Genome position (GRCh38, 1-based): chr11:2,587,638, C>T. VCF-style: chr11-2587638-C-T. GRCh37 (hg19) VCF-style: chr11-2608868-C-T.
Other names: c.1101C>T, p.Ala367= (NM_001406836.1); c.927C>T, p.Ala309= (NM_001406837.1); c.657C>T, p.Ala219= (NM_001406838.1); c.816C>T, p.Ala272= (NM_181798.2).
Identifiers: ClinVar variation 2567550 (VCV002567550.7), dbSNP rs756413033, ClinGen allele CA472039163.
Genomic context (GRCh38, chr11:2,587,638, plus strand): 5'-GAGGTGCTATGCTGCCGAGAACCCCGACTCCTCCACCTGGAAGATCTACATCCGGAAGGC[C>T]CCCCGGAGCCACACTCTGCTGTCACCCAGCCCCAAACCCAAGAAGTCTGTGGTGGTGAGT-3'
Protein context (NP_000209.2, residues 389-409): SSTWKIYIRK[Ala399=]PRSHTLLSPS

ClinVar aggregate classification (germline): Likely benign. Review status: criteria provided, multiple submitters, no conflicts (2 of 4 stars). 4 submissions from 4 submitters: Likely benign (4). Last evaluated 2026-09-10.

Conditions:
Cardiovascular phenotype. Identifiers: MedGen CN230736.
Long QT syndrome (LQTS). Identifiers: MedGen C0023976, MeSH D008133, MONDO:0002442. Disease mechanism: loss of function. Inheritance: Various modes of inheritance.
KCNQ1-related disorder. Also called: KCNQ1-related disorders; KCNQ1-related condition. Identifiers: MedGen CN239322.

gnomAD v4.1: 8 of 1,613,960 alleles (0.0005%); highest among the groups gnomAD compares: South Asian, 0.0022%; no homozygotes.

Submissions (4):

PreventionGenetics, part of Exact Sciences
Classification: Likely benign for KCNQ1-related condition. Last evaluated: 2026-09-10. Review status: criteria provided, single submitter. Criteria: ACMG Guidelines, 2015. Collection method: clinical testing. Allele origin: germline.
Comment: This variant is classified as likely benign based on ACMG/AMP sequence variant interpretation guidelines (Richards et al. 2015 PMID: 25741868, with internal and published modifications).

Labcorp Genetics (formerly Invitae), Labcorp
Classification: Likely benign for Long QT syndrome. Last evaluated: 2024-08-22. Review status: criteria provided, single submitter. Criteria: Invitae Variant Classification Sherloc (09022015). Collection method: clinical testing. Allele origin: germline.

All of Us Research Program, National Institutes of Health
Classification: Likely benign for Long QT syndrome. Last evaluated: 2024-02-22. Review status: criteria provided, single submitter. Criteria: ACMG Guidelines, 2015. Collection method: clinical testing. Allele origin: germline. Inheritance: Autosomal dominant inheritance. Observed: 1 variant allele, 1 heterozygote.
Comment: This study involves interpretation of variants in research participants for the purpose of population health screening. Participant phenotype was not available at the time of variant classification. Additional details can be found in publication PMID: 35346344, PMCID: PMC8962531

Ambry Genetics
Classification: Likely benign for Cardiovascular phenotype. Last evaluated: 2023-05-26. Review status: criteria provided, single submitter. Criteria: Ambry Variant Classification Scheme 2023. Collection method: clinical testing. Allele origin: germline.